The following is an entry in ClinVar:

NM_182977.3(NNT):c.1600A>G (p.Ile534Val)

Gene: NNT (nicotinamide nucleotide transhydrogenase; plus strand). Cytogenetic location: 5p12.
Variant type: single nucleotide variant.
Coding change: c.1600A>G on transcript NM_182977.3 (MANE Select); coding-DNA position 1600, A replaced by G.
Protein change: p.Ile534Val; replaces isoleucine 534 with valine.
Molecular consequence: missense variant.
Genome position (GRCh38, 1-based): chr5:43,649,302, A>G. VCF-style: chr5-43649302-A-G. GRCh37 (hg19) VCF-style: chr5-43649404-A-G.
Other names: c.1207A>G, p.Ile403Val (NM_001331026.2); c.1600A>G, p.Ile534Val (NM_012343.4); c.1600A>G (NM_012343.3); short protein forms I403V, I534V.
Identifiers: ClinVar variation 1691008 (VCV001691008.3), dbSNP rs1051148310, ClinGen allele CA117906643.

ClinVar aggregate classification (germline): Uncertain significance. Review status: criteria provided, multiple submitters, no conflicts (2 of 4 stars). 2 submissions from 2 submitters: Uncertain significance (2). Last evaluated 2025-07-01.

Conditions:
Inborn genetic diseases. Identifiers: MedGen C0950123, MeSH D030342.

Allele frequency attached by ClinVar (database versions not stated): gnomAD exomes below 0.00001; gnomAD 0.00001 and 0.00002; TOPMed 0.00001.

Submissions (2):

Ambry Genetics
Classification: Uncertain significance for Inborn genetic diseases. Last evaluated: 2025-07-01. Review status: criteria provided, single submitter. Criteria: Ambry Variant Classification Scheme 2023. Collection method: clinical testing. Allele origin: germline.

Laboratorio de Genetica e Diagnostico Molecular, Hospital Israelita Albert Einstein
Classification: Uncertain significance. Last evaluated: 2021-03-26. Review status: criteria provided, single submitter. Criteria: ACMG Guidelines, 2015. Collection method: clinical testing. Allele origin: germline. Affected: yes.
Comment: ACMG classification criteria: PM2